The following is an entry in ClinVar:

ClinVar aggregate classification (germline): Pathogenic. Review status: criteria provided, single submitter (1 of 4 stars). 3 submissions from 2 submitters: Pathogenic (1). 2 of the submissions do not count toward it. Last evaluated 2018-08-24.

Conditions:
Thyroid hormone resistance, generalized, autosomal recessive (GRTHR). Also called: REFETOFF SYNDROME. Identifiers: MedGen C3489796, MONDO:0010131, OMIM 274300.
Thyroid hormone resistance, generalized, autosomal dominant (GRTHD). Also called: HYPERTHYROXINEMIA, FAMILIAL EUTHYROID, SECONDARY TO PITUITARY AND PERIPHERAL RESISTANCE TO THYROID HORMONES. Identifiers: MedGen C2937288, MONDO:0008569, OMIM 188570.

Submissions (3):

Quest Diagnostics Nichols Institute San Juan Capistrano
Classification: Pathogenic. Last evaluated: 2018-08-24. Review status: criteria provided, single submitter. Criteria: Quest Diagnostics criteria. Collection method: clinical testing. Allele origin: germline.
Comment: Not found in the total gnomAD dataset, and the data is high quality (0/277154 chr). Statistically enriched in patients compared to ethnically matched controls. Found in at least one symptomatic patient. Assessment of experimental evidence suggests this variant results in abnormal protein function.

OMIM
Classification: Pathogenic for THYROID HORMONE RESISTANCE, GENERALIZED, AUTOSOMAL DOMINANT. Last evaluated: 1994-05-01. Review status: no assertion criteria provided. Collection method: literature only. Allele origin: germline. Not counted in ClinVar's aggregate classification.

OMIM
Classification: Pathogenic for THYROID HORMONE RESISTANCE, GENERALIZED, AUTOSOMAL RECESSIVE. Last evaluated: 1994-05-01. Review status: no assertion criteria provided. Collection method: literature only. Allele origin: germline. Not counted in ClinVar's aggregate classification.

Literature cited by the submitters: PubMed 22319036 (cited by Quest Diagnostics Nichols Institute San Juan Capistrano); PubMed 1682340 (cited by Quest Diagnostics Nichols Institute San Juan Capistrano and OMIM); PubMed 1653889 (cited by Quest Diagnostics Nichols Institute San Juan Capistrano and OMIM); PubMed 25135573 (cited by Quest Diagnostics Nichols Institute San Juan Capistrano); PubMed 8013151 (cited by OMIM).

NM_001354712.2(THRB):c.1010_1012del (p.Thr337del)

Gene: THRB (thyroid hormone receptor beta; minus strand). Cytogenetic location: 3p24.2.
Variant type: Deletion.
Coding change: c.1010_1012del on transcript NM_001354712.2 (MANE Select); coding-DNA positions 1010 to 1012, 3 bases deleted (CAC; older notation c.1010_1012delCAC).
Protein change: p.Thr337del; deletes threonine 337.
Molecular consequence: inframe deletion.
Genome position (GRCh38, 1-based): chr3:24,127,631-24,127,633, GTG deleted on the plus strand (CAC on the coding strand, the reverse complement: THRB is on the minus strand). VCF-style (leftmost placement, unchanged base first): chr3-24127630-CGTG-C. GRCh37 (hg19) VCF-style: chr3-24169121-CGTG-C.
Other names: c.1010_1012del, p.Thr337del (NM_000461.5, NM_001128176.3, NM_001128177.2 and 6 more transcripts); c.917_919del, p.Thr306del (NM_001354714.2, NM_001354715.2); short protein forms T337del, T306del.
Identifiers: ClinVar variation 12539 (VCV000012539.5), dbSNP rs387906515, ClinGen allele CA122458.